The following is an entry in ClinVar:

NM_138694.4(PKHD1):c.9125T>C (p.Ile3042Thr)

Gene: PKHD1 (PKHD1 ciliary IPT domain containing fibrocystin/polyductin; minus strand). Cytogenetic location: 6p12.3.
Variant type: single nucleotide variant.
Coding change: c.9125T>C on transcript NM_138694.4 (MANE Select); coding-DNA position 9125, T replaced by C.
Protein change: p.Ile3042Thr; replaces isoleucine 3042 with threonine.
Molecular consequence: missense variant.
Genome position (GRCh38, 1-based): chr6:51,748,491, A>G on the plus strand (T>C on the coding strand, the complement: PKHD1 is on the minus strand). VCF-style: chr6-51748491-A-G. GRCh37 (hg19) VCF-style: chr6-51613289-A-G.
Other names: c.9125T>C, p.Ile3042Thr (NM_170724.3); short protein forms I3042T.
Identifiers: ClinVar variation 4778871 (VCV004778871.1).

ClinVar aggregate classification (germline): Uncertain significance (1 of 4 stars; one submission).

Conditions:
Autosomal recessive polycystic kidney disease (ARPKD). Also called: AR polycystic kidney disease. Identifiers: Orphanet 731, Orphanet 8378, MedGen C0085548, MeSH D017044, MONDO:0009889.

gnomAD v4.1: 3 of 1,613,804 alleles (0.00019%); highest among the groups gnomAD compares: African/African-American, 0.0013%; no homozygotes.

Submission:

Labcorp Genetics (formerly Invitae), Labcorp
Classification: Uncertain significance for Autosomal recessive polycystic kidney disease. Last evaluated: 2025-10-29. Review status: criteria provided, single submitter. Criteria: Invitae Variant Classification Sherloc (09022015). Collection method: clinical testing. Allele origin: germline.
Comment: This sequence change replaces isoleucine, which is neutral and non-polar, with threonine, which is neutral and polar, at codon 3042 of the PKHD1 protein (p.Ile3042Thr). This variant is not present in population databases (gnomAD no frequency). This variant has not been reported in the literature in individuals affected with PKHD1-related conditions. Invitae Evidence Modeling of protein sequence and biophysical properties (such as structural, functional, and spatial information, amino acid conservation, physicochemical variation, residue mobility, and thermodynamic stability) has been performed for this missense variant. However, the output from this modeling did not meet the statistical confidence thresholds required to predict the impact of this variant on PKHD1 protein function. In summary, the available evidence is currently insufficient to determine the role of this variant in disease. Therefore, it has been classified as a Variant of Uncertain Significance.